The following is an entry in ClinVar:

ClinVar aggregate classification (germline): Uncertain significance (1 of 4 stars; one submission).

Conditions:
Early-infantile DEE. Also called: Ohtahara syndrome; Early infantile epileptic encephalopathy; Early infantile epileptic encephalopathy with suppression bursts. Identifiers: Orphanet 1934, MedGen C0393706, MONDO:0800491.

Submission:

Labcorp Genetics (formerly Invitae), Labcorp
Classification: Uncertain significance for Early-infantile DEE. Last evaluated: 2022-05-07. Review status: criteria provided, single submitter. Criteria: Invitae Variant Classification Sherloc (09022015). Collection method: clinical testing. Allele origin: germline.
Comment: In summary, the available evidence is currently insufficient to determine the role of this variant in disease. Therefore, it has been classified as a Variant of Uncertain Significance. Algorithms developed to predict the effect of missense changes on protein structure and function are either unavailable or do not agree on the potential impact of this missense change (SIFT: "Tolerated"; PolyPhen-2: "Possibly Damaging"; Align-GVGD: "Class C0"). This variant has not been reported in the literature in individuals affected with ST3GAL3-related conditions. This variant is not present in population databases (gnomAD no frequency). This sequence change replaces glycine, which is neutral and non-polar, with arginine, which is basic and polar, at codon 313 of the ST3GAL3 protein (p.Gly313Arg).

NM_006279.5(ST3GAL3):c.937G>C (p.Gly313Arg)

Gene: ST3GAL3 (ST3 beta-galactoside alpha-2,3-sialyltransferase 3; plus strand). Cytogenetic location: 1p34.1.
Variant type: single nucleotide variant.
Coding change: c.937G>C on transcript NM_006279.5 (MANE Select); coding-DNA position 937, G replaced by C.
Protein change: p.Gly313Arg; replaces glycine 313 with arginine.
Molecular consequence: missense variant. On other transcripts: non-coding transcript variant (6), intron variant (11).
Genome position (GRCh38, 1-based): chr1:43,920,827, G>C. VCF-style: chr1-43920827-G-C. GRCh37 (hg19) VCF-style: chr1-44386499-G-C.
Other names: c.847G>C, p.Gly283Arg (NM_001270459.2); c.844G>C, p.Gly282Arg (NM_001270460.2); c.982G>C, p.Gly328Arg (NM_001350619.2, NM_174964.4); c.937G>C, p.Gly313Arg (NM_001350620.2); c.658G>C, p.Gly220Arg (NM_001350621.2); c.889G>C, p.Gly297Arg (NM_001410781.1, NM_174969.4); c.1144G>C, p.Gly382Arg (NM_174963.5); c.1099G>C, p.Gly367Arg (NM_174968.5); and 12 more; short protein forms G313R, G283R, G367R, G382R, G282R, G220R, G297R, G328R.
Identifiers: ClinVar variation 1935787 (VCV001935787.5), dbSNP rs777609078, ClinGen allele CA340032677.